The following is an entry in ClinVar:

ClinVar aggregate classification (germline): Uncertain significance (1 of 4 stars; one submission).

gnomAD v4.1: 5 of 1,614,044 alleles (0.00031%); highest among the groups gnomAD compares: South Asian, 0.0011%; no homozygotes.

Submission:

Dasa
Classification: Uncertain significance. Last evaluated: 2025-11-26. Review status: criteria provided, single submitter. Criteria: DASA Assertion Criteria. Collection method: clinical testing. Allele origin: germline.
Comment: NM_001042424.3(NSD2):c.3950C>G (p.Pro1317Arg) is a missense variant that results in the substitution of proline with arginine. This variant is rare in population databases. Computational prediction algorithms are consistent with a benign effect. The currently available literature and clinical evidence are not sufficient to establish a definitive association between this variant and the reported condition. Therefore, this variant is classified as a variant of uncertain significance.

NM_001042424.3(NSD2):c.3950C>G (p.Pro1317Arg)

Gene: NSD2 (nuclear receptor binding SET domain protein 2; plus strand). Cytogenetic location: 4p16.3.
Variant type: single nucleotide variant.
Coding change: c.3950C>G on transcript NM_001042424.3 (MANE Select); coding-DNA position 3950, C replaced by G.
Protein change: p.Pro1317Arg; replaces proline 1317 with arginine.
Molecular consequence: missense variant.
Genome position (GRCh38, 1-based): chr4:1,978,761, C>G. VCF-style: chr4-1978761-C-G. GRCh37 (hg19) VCF-style: chr4-1980488-C-G.
Other names: c.3950C>G, p.Pro1317Arg (NM_001440892.1, NM_133330.3, NM_133331.3 and 1 more transcripts); c.4049C>G, p.Pro1350Arg (NM_001440893.1); c.3833C>G, p.Pro1278Arg (NM_001440894.1); c.3803C>G, p.Pro1268Arg (NM_001440895.1); c.3749C>G, p.Pro1250Arg (NM_001440896.1); c.3743C>G, p.Pro1248Arg (NM_001440897.1); c.3626C>G, p.Pro1209Arg (NM_001440898.1); c.2981C>G, p.Pro994Arg (NM_001440899.1, NM_001440900.1); short protein forms P1209R, P1248R, P1250R, P1268R, P1278R, P1317R, P1350R, P994R.
Identifiers: ClinVar variation 4886598 (VCV004886598.2).